The following is an entry in ClinVar:

NM_000553.6(WRN):c.3386T>A (p.Ile1129Asn)

Gene: WRN (WRN RecQ like helicase; plus strand). Cytogenetic location: 8p12.
Variant type: single nucleotide variant.
Coding change: c.3386T>A on transcript NM_000553.6 (MANE Select); coding-DNA position 3386, T replaced by A.
Protein change: p.Ile1129Asn; replaces isoleucine 1129 with asparagine.
Molecular consequence: missense variant.
Genome position (GRCh38, 1-based): chr8:31,147,055, T>A. VCF-style: chr8-31147055-T-A. GRCh37 (hg19) VCF-style: chr8-31004571-T-A.
Other names: short protein forms I1129N.
Identifiers: ClinVar variation 2074836 (VCV002074836.1), dbSNP rs761932192, ClinGen allele CA4705051.

ClinVar aggregate classification (germline): Uncertain significance (1 of 4 stars; one submission).

Conditions:
Werner syndrome (WRN). Identifiers: Orphanet 902, MedGen C0043119, MONDO:0010196, OMIM 277700.

Allele frequency attached by ClinVar (database versions not stated): ExAC 0.00001.
gnomAD v4.1: 1 of 1,611,848 alleles (0.000062%); no homozygotes.

Submission:

Labcorp Genetics (formerly Invitae), Labcorp
Classification: Uncertain significance for Werner syndrome. Last evaluated: 2022-08-23. Review status: criteria provided, single submitter. Criteria: Invitae Variant Classification Sherloc (09022015). Collection method: clinical testing. Allele origin: germline.
Comment: This sequence change replaces isoleucine, which is neutral and non-polar, with asparagine, which is neutral and polar, at codon 1129 of the WRN protein (p.Ile1129Asn). This variant is not present in population databases (gnomAD no frequency). This variant has not been reported in the literature in individuals affected with WRN-related conditions. Algorithms developed to predict the effect of missense changes on protein structure and function are either unavailable or do not agree on the potential impact of this missense change (SIFT: "Not Available"; PolyPhen-2: "Benign"; Align-GVGD: "Not Available"). In summary, the available evidence is currently insufficient to determine the role of this variant in disease. Therefore, it has been classified as a Variant of Uncertain Significance.